The following is an entry in ClinVar:

NM_001367873.1(SOX6):c.2027G>C (p.Arg676Pro)

Gene: SOX6 (SRY-box transcription factor 6; minus strand). Cytogenetic location: 11p15.2.
Variant type: single nucleotide variant.
Coding change: c.2027G>C on transcript NM_001367873.1 (MANE Select); coding-DNA position 2027, G replaced by C.
Protein change: p.Arg676Pro; replaces arginine 676 with proline.
Molecular consequence: missense variant.
Genome position (GRCh38, 1-based): chr11:15,986,360, C>G on the plus strand (G>C on the coding strand, the complement: SOX6 is on the minus strand). VCF-style: chr11-15986360-C-G. GRCh37 (hg19) VCF-style: chr11-16007906-C-G.
Other names: c.1946G>C, p.Arg649Pro (NM_001145811.2, NM_017508.3); c.2027G>C, p.Arg676Pro (NM_001145819.2); c.1904G>C, p.Arg635Pro (NM_001367872.1); c.1967G>C, p.Arg656Pro (NM_033326.3); short protein forms R635P, R649P, R656P, R676P.
Identifiers: ClinVar variation 3897378 (VCV003897378.1).

ClinVar aggregate classification (germline): Uncertain significance (1 of 4 stars; one submission).

Submission:

GeneDx
Classification: Uncertain significance. Last evaluated: 2024-10-29. Review status: criteria provided, single submitter. Criteria: GeneDx Variant Classification Process June 2021. Collection method: clinical testing. Allele origin: germline. Affected: yes.
Comment: Not observed at significant frequency in large population cohorts (gnomAD); In silico analysis supports that this missense variant has a deleterious effect on protein structure/function; Has not been previously published as pathogenic or benign to our knowledge